The following is an entry in ClinVar:

ClinVar aggregate classification (germline): Benign. Review status: reviewed by expert panel (3 of 4 stars). 14 submissions from 13 submitters: Benign (1). 13 of the submissions do not count toward it. Last evaluated 2019-03-25.

Conditions:
MYO6-related disorder. Also called: MYO6-related condition; MYO6-related disorders.
Nonsyndromic genetic hearing loss. Also called: Non-syndromic genetic deafness; Nonsyndromic hearing loss and deafness; Nonsyndromic genetic deafness. Identifiers: Orphanet 87884, MedGen C5680182, MONDO:0019497.
Autosomal recessive nonsyndromic hearing loss 37. Identifiers: Orphanet 90636, MedGen C1843028, MONDO:0011912, OMIM 607821.
Autosomal dominant nonsyndromic hearing loss 22. Also called: DFNA 22; Autosomal dominant nonsyndromic deafness 22. Identifiers: Orphanet 228012, MedGen C2931767, MONDO:0011660, OMIM 606346.

Allele frequency attached by ClinVar (database versions not stated): 1000 Genomes Project 0.00040; 1000 Genomes Project 30x 0.00078; TOPMed 0.00111; gnomAD 0.00123 and 0.00128; gnomAD exomes 0.00133 and 0.00154; ExAC 0.00159; ESP Exome Variant Server 0.00161.

Submissions (14):

ClinGen Hearing Loss Variant Curation Expert Panel
Classification: Benign for Nonsyndromic genetic hearing loss. Last evaluated: 2019-03-25. Review status: reviewed by expert panel. Criteria: ClinGen HL ACMG Specifications v1. Collection method: curation. Allele origin: germline. Inheritance: Autosomal dominant inheritance.
Comment: The filtering allele frequency of the p.Ala342Val variant in the MYO6 gene is 0.21% for European (non-Finnish) chromosomes by gnomAD (304/129090 with 95% CI), and one homozygous European (Finnish) individual, which is a high enough frequency to be classified as benign based on thresholds defined by the ClinGen Hearing Loss Expert Panel for autosomal dominant hearing loss variants (BA1). The REVEL computational prediction analysis tool produced a score of 0.905, however, this information is not predictive of pathogenicity on its own and is not considered in conflict with evidence that supports a benign interpretation. In summary, the HL EP classified this variant as benign. ACMG/AMP criteria applied, as specified by the Hearing Loss Expert Panel: BA1.

Labcorp Genetics (formerly Invitae), Labcorp
Classification: Likely benign. Last evaluated: 2026-01-26. Review status: criteria provided, single submitter. Criteria: Invitae Variant Classification Sherloc (09022015). Collection method: clinical testing. Allele origin: germline. Not counted in ClinVar's aggregate classification.

CeGaT Center for Human Genetics Tuebingen
Classification: Benign. Last evaluated: 2026-01-01. Review status: criteria provided, single submitter. Criteria: CeGaT Center For Human Genetics Tuebingen Variant Classification Criteria Version 2. Collection method: clinical testing. Allele origin: germline. Affected: yes. Observed: 6 variant alleles. Not counted in ClinVar's aggregate classification.
Comment: MYO6: PP3, BS1, BS2

Blueprint Genetics
Classification: Likely benign. Last evaluated: 2024-11-22. Review status: criteria provided, single submitter. Criteria: ACMG Guidelines, 2015. Collection method: clinical testing. Allele origin: germline. Not counted in ClinVar's aggregate classification.

GeneDx
Classification: Likely benign. Last evaluated: 2020-06-04. Review status: criteria provided, single submitter. Criteria: GeneDx Variant Classification Process June 2021. Collection method: clinical testing. Allele origin: germline. Affected: yes. Not counted in ClinVar's aggregate classification.
Comment: This variant is associated with the following publications: (PMID: 27068579)

Athena Diagnostics
Classification: Likely benign. Last evaluated: 2019-03-21. Review status: criteria provided, single submitter. Criteria: Athena Diagnostics Criteria. Collection method: clinical testing. Allele origin: germline. Not counted in ClinVar's aggregate classification.

Illumina Laboratory Services, Illumina
Classification: Likely benign for Autosomal dominant nonsyndromic hearing loss 22. Last evaluated: 2018-01-12. Review status: criteria provided, single submitter. Criteria: ICSL Variant Classification Criteria 13 December 2019. Collection method: clinical testing. Allele origin: germline. Not counted in ClinVar's aggregate classification.
Comment: This variant was observed in the ICSL laboratory as part of a predisposition screen in an ostensibly healthy population. It had not been previously curated by ICSL or reported in the Human Gene Mutation Database (HGMD: prior to June 1st, 2018), and was therefore a candidate for classification through an automated scoring system. Utilizing variant allele frequency, disease prevalence and penetrance estimates, and inheritance mode, an automated score was calculated to assess if this variant is too frequent to cause the disease. Based on the score and internal cut-off values, a variant classified as likely benign is not then subjected to further curation. The score for this variant resulted in a classification of likely benign for this disease.

Illumina Laboratory Services, Illumina
Classification: Uncertain significance for Autosomal recessive nonsyndromic hearing loss 37. Last evaluated: 2018-01-12. Review status: criteria provided, single submitter. Criteria: ICSL Variant Classification Criteria 13 December 2019. Collection method: clinical testing. Allele origin: germline. Not counted in ClinVar's aggregate classification.

Laboratory for Molecular Medicine, Mass General Brigham Personalized Medicine
Classification: Likely benign. Last evaluated: 2017-12-21. Review status: criteria provided, single submitter. Criteria: LMM Criteria. Collection method: clinical testing. Allele origin: germline. Observed: 8 variant alleles. Not counted in ClinVar's aggregate classification.
Comment: p.Ala342Val in exon 11 of MYO6: This variant is not expected to have clinical si gnificance because it has been identified in 0.24% (304/126610) of Non-Finnish E uropean chromosomes and 0.16% (42/25786) of Finnish chromosomes including 1 homo zygote by the Genome Aggregation Database (gnomAD. org; dbSNP rs145564837). It has been previously reported by our laboratory in th e heterozygous state in 6 individuals with hearing loss, including 2 with differ ent alternate etiologies. ACMG/AMP criteria applied: BS1_supporting, BP5.

Eurofins Ntd Llc (ga)
Classification: Uncertain significance. Last evaluated: 2015-01-30. Review status: criteria provided, single submitter. Criteria: EGL Classification Definitions 2015. Collection method: clinical testing. Allele origin: germline. Observed: 1 variant allele, 1 heterozygote. Not counted in ClinVar's aggregate classification.

PreventionGenetics, part of Exact Sciences
Classification: Likely benign for MYO6-related condition. Last evaluated: 2019-10-29. Review status: no assertion criteria provided. Collection method: clinical testing. Allele origin: germline. Not counted in ClinVar's aggregate classification.
Comment: This variant is classified as likely benign based on ACMG/AMP sequence variant interpretation guidelines (Richards et al. 2015 PMID: 25741868, with internal and published modifications).

Clinical Genetics DNA and cytogenetics Diagnostics Lab, Erasmus MC, Erasmus Medical Center
Classification: Likely benign. Review status: no assertion criteria provided. Collection method: clinical testing. Allele origin: germline. Affected: yes. Study: VKGL Data-share Consensus. Not counted in ClinVar's aggregate classification.

Genome Diagnostics Laboratory, University Medical Center Utrecht
Classification: Likely benign. Review status: no assertion criteria provided. Collection method: clinical testing. Allele origin: germline. Affected: yes. Study: VKGL Data-share Consensus. Not counted in ClinVar's aggregate classification.

Joint Genome Diagnostic Labs from Nijmegen and Maastricht, Radboudumc and MUMC+
Classification: Likely benign. Review status: no assertion criteria provided. Collection method: clinical testing. Allele origin: germline. Affected: yes. Study: VKGL Data-share Consensus. Not counted in ClinVar's aggregate classification.

NM_004999.4(MYO6):c.1025C>T (p.Ala342Val)

Gene: MYO6 (myosin VI; plus strand). Cytogenetic location: 6q14.1.
Variant type: single nucleotide variant.
Coding change: c.1025C>T on transcript NM_004999.4 (MANE Select); coding-DNA position 1025, C replaced by T.
Protein change: p.Ala342Val; replaces alanine 342 with valine.
Molecular consequence: missense variant. On other transcripts: non-coding transcript variant (1).
Genome position (GRCh38, 1-based): chr6:75,848,478, C>T. VCF-style: chr6-75848478-C-T. GRCh37 (hg19) VCF-style: chr6-76558195-C-T.
Other names: NM_004999.3(MYO6):c.1025C>T; c.1025C>T, p.Ala342Val (NM_001300899.2, NM_001368136.1, NM_001368137.1 and 2 more transcripts); c.1010C>T, p.Ala337Val (NM_001368138.1); short protein forms A342V, A337V.
Identifiers: ClinVar variation 45131 (VCV000045131.73), dbSNP rs145564837, ClinGen allele CA135587.